The following is an entry in ClinVar:

ClinVar aggregate classification (germline): Uncertain significance. Review status: criteria provided, multiple submitters, no conflicts (2 of 4 stars). 4 submissions from 2 submitters: Uncertain significance (4). Last evaluated 2024-10-15.

Conditions:
Pyropoikilocytosis, hereditary. Also called: Pyropoikilocytosis. Identifiers: MedGen C0520739, MONDO:0009948, OMIM 266140, HP:0004839. Disease mechanism: loss of function.
Hereditary spherocytosis type 3. Also called: Spherocytosis type 3; SPTA1-Related Spherocytosis. Identifiers: Orphanet 822, MedGen C2678338, MONDO:0010053, OMIM 270970.
Elliptocytosis 2 (EL2). Also called: ELLIPTOCYTOSIS, RHESUS-UNLINKED TYPE. Identifiers: Orphanet 288, MedGen C1851741, MONDO:0007533, OMIM 130600.

Allele frequency attached by ClinVar (database versions not stated): TOPMed 0.00003; ExAC 0.00004; gnomAD 0.00004; gnomAD exomes 0.00006.
gnomAD v4.1: 49 of 1,613,574 alleles (0.003%); highest among the groups gnomAD compares: Non-Finnish European, 0.00034%; no homozygotes.

Submissions (4):

Mayo Clinic Laboratories, Mayo Clinic
Classification: Uncertain significance. Last evaluated: 2024-10-15. Review status: criteria provided, single submitter. Criteria: ACMG Guidelines, 2015. Collection method: clinical testing. Allele origin: germline. Observed: 1 variant allele.
Comment: BP4, PM2_supporting

Illumina Laboratory Services, Illumina
Classification: Uncertain significance for Hereditary spherocytosis type 3. Last evaluated: 2018-01-13. Review status: criteria provided, single submitter. Criteria: ICSL Variant Classification Criteria 13 December 2019. Collection method: clinical testing. Allele origin: germline.

Illumina Laboratory Services, Illumina
Classification: Uncertain significance for Pyropoikilocytosis, hereditary. Last evaluated: 2018-01-13. Review status: criteria provided, single submitter. Criteria: ICSL Variant Classification Criteria 13 December 2019. Collection method: clinical testing. Allele origin: germline.

Illumina Laboratory Services, Illumina
Classification: Uncertain significance for Elliptocytosis 2. Last evaluated: 2018-01-13. Review status: criteria provided, single submitter. Criteria: ICSL Variant Classification Criteria 13 December 2019. Collection method: clinical testing. Allele origin: germline.

NM_003126.4(SPTA1):c.854C>T (p.Pro285Leu)

Gene: SPTA1 (spectrin alpha, erythrocytic 1; minus strand). Cytogenetic location: 1q23.1.
Variant type: single nucleotide variant.
Coding change: c.854C>T on transcript NM_003126.4 (MANE Select); coding-DNA position 854, C replaced by T.
Protein change: p.Pro285Leu; replaces proline 285 with leucine.
Molecular consequence: missense variant.
Genome position (GRCh38, 1-based): chr1:158,677,793, G>A on the plus strand (C>T on the coding strand, the complement: SPTA1 is on the minus strand). VCF-style: chr1-158677793-G-A. GRCh37 (hg19) VCF-style: chr1-158647583-G-A.
Other names: p.Pro285Leu; short protein forms P285L.
Identifiers: ClinVar variation 293044 (VCV000293044.6), dbSNP rs755259437, ClinGen allele CA1183991.